The following is an entry in ClinVar:

NM_001244008.2(KIF1A):c.4349A>T (p.Asp1450Val)

Gene: KIF1A (kinesin family member 1A; minus strand). Cytogenetic location: 2q37.3.
Variant type: single nucleotide variant.
Coding change: c.4349A>T on transcript NM_001244008.2 (MANE Select); coding-DNA position 4349, A replaced by T.
Protein change: p.Asp1450Val; replaces aspartic acid 1450 with valine.
Molecular consequence: missense variant.
Genome position (GRCh38, 1-based): chr2:240,723,528, T>A on the plus strand (A>T on the coding strand, the complement: KIF1A is on the minus strand). VCF-style: chr2-240723528-T-A. GRCh37 (hg19) VCF-style: chr2-241662945-T-A.
Other names: c.4073A>T, p.Asp1358Val (NM_001320705.2, NM_001379649.1); c.4100A>T, p.Asp1367Val (NM_001330289.2); c.4148A>T, p.Asp1383Val (NM_001330290.2, NM_001379648.1); c.4424A>T, p.Asp1475Val (NM_001379631.1); c.4325A>T, p.Asp1442Val (NM_001379632.1); c.4322A>T, p.Asp1441Val (NM_001379633.1, NM_001379645.1); c.4175A>T, p.Asp1392Val (NM_001379634.1); c.4172A>T, p.Asp1391Val (NM_001379635.1, NM_001379646.1); and 7 more; short protein forms D1387V, D1442V, D1450V, D1349V, D1367V, D1391V, D1475V, D1383V.
Identifiers: ClinVar variation 2945967 (VCV002945967.3), dbSNP rs2536723125, ClinGen allele CA351305574.

ClinVar aggregate classification (germline): Uncertain significance (1 of 4 stars; one submission).

Conditions:
Neuropathy, hereditary sensory, type 2C. Also called: KIF1A-Related HSAN2 (HSAN2C); Hereditary sensory and autonomic neuropathy type IIC. Identifiers: Orphanet 970, MedGen C3280168, MONDO:0013634, OMIM 614213.
Hereditary spastic paraplegia 30. Identifiers: Orphanet 101010, MedGen C5235139, MONDO:0012476.
Intellectual disability, autosomal dominant 9 (NESCAVS). Also called: NESCAV SYNDROME; KIF1A-Related Neurodevelopmental Disorder. Identifiers: Orphanet 662367, MedGen C5393830, MONDO:0013656, OMIM 614255.

Submission:

Labcorp Genetics (formerly Invitae), Labcorp
Classification: Uncertain significance for Hereditary spastic paraplegia 30; Neuropathy, hereditary sensory, type 2C; Intellectual disability, autosomal dominant 9. Last evaluated: 2025-05-13. Review status: criteria provided, single submitter. Criteria: Invitae Variant Classification Sherloc (09022015). Collection method: clinical testing. Allele origin: germline.
Comment: This sequence change replaces aspartic acid, which is acidic and polar, with valine, which is neutral and non-polar, at codon 1349 of the KIF1A protein (p.Asp1349Val). This variant is not present in population databases (gnomAD no frequency). This variant has not been reported in the literature in individuals affected with KIF1A-related conditions. ClinVar contains an entry for this variant (Variation ID: 2945967). Invitae Evidence Modeling of protein sequence and biophysical properties (such as structural, functional, and spatial information, amino acid conservation, physicochemical variation, residue mobility, and thermodynamic stability) indicates that this missense variant is not expected to disrupt KIF1A protein function with a negative predictive value of 95%. In summary, the available evidence is currently insufficient to determine the role of this variant in disease. Therefore, it has been classified as a Variant of Uncertain Significance.